The following is an entry in ClinVar:

NM_015354.3(NUP188):c.614T>C (p.Val205Ala)

Gene: NUP188 (nucleoporin 188; plus strand). Cytogenetic location: 9q34.11.
Variant type: single nucleotide variant.
Coding change: c.614T>C on transcript NM_015354.3 (MANE Select); coding-DNA position 614, T replaced by C.
Protein change: p.Val205Ala; replaces valine 205 with alanine.
Molecular consequence: missense variant.
Genome position (GRCh38, 1-based): chr9:128,968,534, T>C. VCF-style: chr9-128968534-T-C. GRCh37 (hg19) VCF-style: chr9-131730813-T-C.
Other names: short protein forms V205A.
Identifiers: ClinVar variation 3051611 (VCV003051611.2), dbSNP rs17507971, ClinGen allele CA5272093.

ClinVar aggregate classification (germline): Likely benign (0 of 4 stars; one submission).

Conditions:
NUP188-related disorder. Also called: NUP188-related condition.

Allele frequency attached by ClinVar (database versions not stated): gnomAD exomes 0.00014; ExAC 0.00047; ESP Exome Variant Server 0.00115; 1000 Genomes Project 0.00140; 1000 Genomes Project 30x 0.00141; gnomAD 0.00146; TOPMed 0.00155.
gnomAD v4.1: 432 of 1,614,218 alleles (0.027%); highest among the groups gnomAD compares: African/African-American, 0.54%; 1 homozygote.

Submission:

PreventionGenetics, part of Exact Sciences
Classification: Likely benign for NUP188-related condition. Last evaluated: 2023-06-06. Review status: no assertion criteria provided. Collection method: clinical testing. Allele origin: germline.
Comment: This variant is classified as likely benign based on ACMG/AMP sequence variant interpretation guidelines (Richards et al. 2015 PMID: 25741868, with internal and published modifications).